The following is an entry in ClinVar:

NM_145059.3(FCSK):c.2816G>A (p.Arg939Gln)

Gene: FCSK (fucose kinase; plus strand). Cytogenetic location: 16q22.1.
Variant type: single nucleotide variant.
Coding change: c.2816G>A on transcript NM_145059.3 (MANE Select); coding-DNA position 2816, G replaced by A.
Protein change: p.Arg939Gln; replaces arginine 939 with glutamine.
Molecular consequence: missense variant.
Genome position (GRCh38, 1-based): chr16:70,478,446, G>A. VCF-style: chr16-70478446-G-A. GRCh37 (hg19) VCF-style: chr16-70512349-G-A.
Other names: c.2816G>A (NM_145059.2); short protein forms R939Q.
Identifiers: ClinVar variation 1682401 (VCV001682401.11), dbSNP rs17886060, ClinGen allele CA8143738.

ClinVar aggregate classification (germline): Benign. Review status: criteria provided, multiple submitters, no conflicts (2 of 4 stars). 3 submissions from 3 submitters: Benign (2). 1 of the submissions does not count toward it. Last evaluated 2026-01-19.

Conditions:
FCSK-related disorder. Also called: FCSK-related condition.

Allele frequency attached by ClinVar (database versions not stated): 1000 Genomes Project 30x 0.00390; 1000 Genomes Project 0.00439; ESP Exome Variant Server 0.01024; ExAC 0.01047; TOPMed 0.01047; gnomAD 0.01058 and 0.01108; gnomAD exomes 0.01091 and 0.01387.
gnomAD v4.1: 21,825 of 1,614,044 alleles (1.4%); highest among the groups gnomAD compares: Non-Finnish European, 1.5%; 180 homozygotes.

Submissions (3):

Labcorp Genetics (formerly Invitae), Labcorp
Classification: Benign. Last evaluated: 2026-01-19. Review status: criteria provided, single submitter. Criteria: Invitae Variant Classification Sherloc (09022015). Collection method: clinical testing. Allele origin: germline.

Breakthrough Genomics
Classification: Benign. Review status: criteria provided, single submitter. Criteria: ACMG Guidelines, 2015. Collection method: not provided. Allele origin: germline. Inheritance: Autosomal recessive inheritance. Affected: yes.

PreventionGenetics, part of Exact Sciences
Classification: Benign for FCSK-related condition. Last evaluated: 2019-05-23. Review status: no assertion criteria provided. Collection method: clinical testing. Allele origin: germline. Not counted in ClinVar's aggregate classification.
Comment: This variant is classified as benign based on ACMG/AMP sequence variant interpretation guidelines (Richards et al. 2015 PMID: 25741868, with internal and published modifications).